The following is an entry in ClinVar:

NM_013432.5(TONSL):c.25+2dup

Genes: TONSL (tonsoku like, DNA repair protein; minus strand), LOC130001399 (ATAC-STARR-seq lymphoblastoid silent region 19685; plus strand). Cytogenetic location: 8q24.3.
Variant type: Duplication.
Coding change: c.25+2dup on transcript NM_013432.5 (MANE Select); the canonical splice donor site of the intron after coding-DNA position 25, one base duplicated (T; older notation c.25+2dupT).
Molecular consequence: splice donor variant.
Genome position (GRCh38, 1-based): chr8:144,444,388, A duplicated on the plus strand (T on the coding strand, the reverse complement: TONSL is on the minus strand). VCF-style (leftmost placement, unchanged base first): chr8-144444387-T-TA. GRCh37 (hg19) VCF-style: chr8-145669770-T-TA.
Identifiers: ClinVar variation 1425543 (VCV001425543.3), dbSNP rs1282413420, ClinGen allele CA463453332.

ClinVar aggregate classification (germline): Uncertain significance (1 of 4 stars; one submission).

Allele frequency attached by ClinVar (database versions not stated): TOPMed 0.00002; gnomAD 0.00003; gnomAD exomes 0.00008.

Submission:

Labcorp Genetics (formerly Invitae), Labcorp
Classification: Uncertain significance. Last evaluated: 2021-12-20. Review status: criteria provided, single submitter. Criteria: Invitae Variant Classification Sherloc (09022015). Collection method: clinical testing. Allele origin: germline.
Comment: This sequence change falls in intron 1 of the TONSL gene. It does not directly change the encoded amino acid sequence of the TONSL protein. It affects a nucleotide within the consensus splice site. This variant is present in population databases (no rsID available, gnomAD 0.007%). This variant has been observed in individual(s) with SPONASTRIME dysplasia (PMID: 30773277). Variants that disrupt the consensus splice site are a relatively common cause of aberrant splicing (PMID: 17576681, 9536098). Algorithms developed to predict the effect of sequence changes on RNA splicing suggest that this variant may disrupt the consensus splice site. In summary, the available evidence is currently insufficient to determine the role of this variant in disease. Therefore, it has been classified as a Variant of Uncertain Significance.

Literature cited by the submitters: PubMed 30773277; PubMed 17576681; PubMed 9536098.